The following is an entry in ClinVar:

NC_000016.10:g.(?_90040280)_(90043365_?)del

Gene: GAS8 (growth arrest specific 8; plus strand). Cytogenetic location: 16q24.3.
Variant type: Deletion.
Identifiers: ClinVar variation 830568 (VCV000830568.7).

ClinVar aggregate classification (germline): Uncertain significance (1 of 4 stars; one submission).

Conditions:
Primary ciliary dyskinesia 33. Also called: CILIARY DYSKINESIA, PRIMARY, 33, WITHOUT SITUS INVERSUS. Identifiers: Orphanet 244, MedGen C4225230, MONDO:0014750, OMIM 616726.

Submission:

Labcorp Genetics (formerly Invitae), Labcorp
Classification: Uncertain significance for Primary ciliary dyskinesia 33. Last evaluated: 2022-09-01. Review status: criteria provided, single submitter. Criteria: Invitae Variant Classification Sherloc (09022015). Collection method: clinical testing. Allele origin: germline.
Comment: This variant is a gross deletion of the genomic region encompassing exon(s) 9-11 of the GAS8 gene, which includes the termination codon. This deletion extends beyond the assayed region for this gene and therefore may encompass additional genes. While this deletion is not anticipated to lead to nonsense mediated decay, it is expected to alter mRNA translation or result in a truncated protein product. In summary, the available evidence is currently insufficient to determine the role of this variant in disease. Therefore, it has been classified as a Variant of Uncertain Significance. Experimental studies and prediction algorithms are not available or were not evaluated, and the functional significance of this variant is currently unknown. This variant has not been reported in the literature in individuals affected with GAS8-related conditions.